The following is an entry in ClinVar:

NM_014795.4(ZEB2):c.965C>A (p.Ser322Tyr)

Gene: ZEB2 (zinc finger E-box binding homeobox 2; minus strand). Cytogenetic location: 2q22.3.
Variant type: single nucleotide variant.
Coding change: c.965C>A on transcript NM_014795.4 (MANE Select); coding-DNA position 965, C replaced by A.
Protein change: p.Ser322Tyr; replaces serine 322 with tyrosine.
Molecular consequence: missense variant.
Genome position (GRCh38, 1-based): chr2:144,400,222, G>T on the plus strand (C>A on the coding strand, the complement: ZEB2 is on the minus strand). VCF-style: chr2-144400222-G-T. GRCh37 (hg19) VCF-style: chr2-145157789-G-T.
Other names: c.893C>A, p.Ser298Tyr (NM_001171653.2); short protein forms S322Y, S298Y.
Identifiers: ClinVar variation 3727468 (VCV003727468.2).

ClinVar aggregate classification (germline): Uncertain significance (1 of 4 stars; one submission).

Conditions:
Mowat-Wilson syndrome (MOWS). Also called: Classic Mowat-Wilson Syndrome. Identifiers: Orphanet 2152, MedGen C1856113, MONDO:0009341, OMIM 235730.

Submission:

Labcorp Genetics (formerly Invitae), Labcorp
Classification: Uncertain significance for Mowat-Wilson syndrome. Last evaluated: 2024-09-10. Review status: criteria provided, single submitter. Criteria: Invitae Variant Classification Sherloc (09022015). Collection method: clinical testing. Allele origin: germline.
Comment: This sequence change replaces serine, which is neutral and polar, with tyrosine, which is neutral and polar, at codon 322 of the ZEB2 protein (p.Ser322Tyr). This variant is not present in population databases (gnomAD no frequency). This variant has not been reported in the literature in individuals affected with ZEB2-related conditions. Invitae Evidence Modeling of protein sequence and biophysical properties (such as structural, functional, and spatial information, amino acid conservation, physicochemical variation, residue mobility, and thermodynamic stability) indicates that this missense variant is expected to disrupt ZEB2 protein function with a positive predictive value of 80%. In summary, the available evidence is currently insufficient to determine the role of this variant in disease. Therefore, it has been classified as a Variant of Uncertain Significance.